The following is an entry in ClinVar:

ClinVar aggregate classification (germline): Uncertain significance (1 of 4 stars; one submission).

Submission:

Labcorp Genetics (formerly Invitae), Labcorp
Classification: Uncertain significance. Last evaluated: 2020-12-01. Review status: criteria provided, single submitter. Criteria: Invitae Variant Classification Sherloc (09022015). Collection method: clinical testing. Allele origin: germline.
Comment: Advanced modeling of protein sequence and biophysical properties (such as structural, functional, and spatial information, amino acid conservation, physicochemical variation, residue mobility, and thermodynamic stability) performed at Invitae indicates that this missense variant is not expected to disrupt TPP1 protein function. In summary, the available evidence is currently insufficient to determine the role of this variant in disease. Therefore, it has been classified as a Variant of Uncertain Significance. This variant has not been reported in the literature in individuals with TPP1-related conditions. This variant is not present in population databases (ExAC no frequency). This sequence change replaces alanine with glycine at codon 108 of the TPP1 protein (p.Ala108Gly). The alanine residue is moderately conserved and there is a small physicochemical difference between alanine and glycine.

NM_000391.4(TPP1):c.323C>G (p.Ala108Gly)

Gene: TPP1 (tripeptidyl peptidase 1; minus strand). Cytogenetic location: 11p15.4.
Variant type: single nucleotide variant.
Coding change: c.323C>G on transcript NM_000391.4 (MANE Select); coding-DNA position 323, C replaced by G.
Protein change: p.Ala108Gly; replaces alanine 108 with glycine.
Molecular consequence: missense variant.
Genome position (GRCh38, 1-based): chr11:6,617,683, G>C on the plus strand (C>G on the coding strand, the complement: TPP1 is on the minus strand). VCF-style: chr11-6617683-G-C. GRCh37 (hg19) VCF-style: chr11-6638914-G-C.
Other names: short protein forms A108G.
Identifiers: ClinVar variation 1426773 (VCV001426773.8), dbSNP rs374132017, ClinGen allele CA379476334.